The following is an entry in ClinVar:

ClinVar aggregate classification (germline): Uncertain significance (1 of 4 stars; one submission).

Conditions:
RYR1-related disorder. Also called: RYR1-related condition; RYR1-related disorders. Identifiers: MedGen CN239331.

gnomAD v4.1: 2 of 1,601,906 alleles (0.00012%); highest among the groups gnomAD compares: Non-Finnish European, 0.00017%; no homozygotes.

Submission:

Labcorp Genetics (formerly Invitae), Labcorp
Classification: Uncertain significance for RYR1-related disorder. Last evaluated: 2022-02-08. Review status: criteria provided, single submitter. Criteria: Invitae Variant Classification Sherloc (09022015). Collection method: clinical testing. Allele origin: germline.
Comment: This variant is present in population databases (no rsID available, gnomAD 0.002%). In summary, the available evidence is currently insufficient to determine the role of this variant in disease. Therefore, it has been classified as a Variant of Uncertain Significance. Advanced modeling of protein sequence and biophysical properties (such as structural, functional, and spatial information, amino acid conservation, physicochemical variation, residue mobility, and thermodynamic stability) performed at Invitae indicates that this missense variant is not expected to disrupt RYR1 protein function. This variant has not been reported in the literature in individuals affected with RYR1-related conditions. This sequence change replaces methionine, which is neutral and non-polar, with lysine, which is basic and polar, at codon 2008 of the RYR1 protein (p.Met2008Lys).

NM_000540.3(RYR1):c.6023T>A (p.Met2008Lys)

Gene: RYR1 (ryanodine receptor 1; plus strand). Cytogenetic location: 19q13.2.
Variant type: single nucleotide variant.
Coding change: c.6023T>A on transcript NM_000540.3 (MANE Select); coding-DNA position 6023, T replaced by A.
Protein change: p.Met2008Lys; replaces methionine 2008 with lysine.
Molecular consequence: missense variant.
Genome position (GRCh38, 1-based): chr19:38,490,628, T>A. VCF-style: chr19-38490628-T-A. GRCh37 (hg19) VCF-style: chr19-38981268-T-A.
Other names: c.6023T>A, p.Met2008Lys (NM_001042723.2); short protein forms M2008K.
Identifiers: ClinVar variation 2183028 (VCV002183028.2), dbSNP rs199947661, ClinGen allele CA405660717.
Genomic context (GRCh38, chr19:38,490,628, plus strand): 5'-AGTTCCTGCTTTGGGATCTCAGACCCTCATTCTAATCTTTGACCTTCCCCTAGATCAATA[T>A]GCTATTGCAATTCAAAGATGGTACAGATGAGGAAGACTGTCCTCTCCCTGAAGAGATTCG-3'
Protein context (NP_000531.2, residues 1998-2018): FRSPPQEQIN[Met2008Lys]LLQFKDGTDE